The following is an entry in ClinVar:

NM_004646.4(NPHS1):c.333C>A (p.Cys111Ter)

Gene: NPHS1 (NPHS1 adhesion molecule, nephrin; minus strand). Cytogenetic location: 19q13.12.
Variant type: single nucleotide variant.
Coding change: c.333C>A on transcript NM_004646.4 (MANE Select); coding-DNA position 333, C replaced by A.
Protein change: p.Cys111Ter; replaces cysteine 111 with a stop codon.
Molecular consequence: nonsense.
Genome position (GRCh38, 1-based): chr19:35,851,326, G>T on the plus strand (C>A on the coding strand, the complement: NPHS1 is on the minus strand). VCF-style: chr19-35851326-G-T. GRCh37 (hg19) VCF-style: chr19-36342228-G-T.
Other names: short protein forms C111*.
Identifiers: ClinVar variation 1725757 (VCV001725757.2), dbSNP rs755089331, ClinGen allele CA405410805.

ClinVar aggregate classification (germline): Likely pathogenic (1 of 4 stars; one submission).

Conditions:
Finnish congenital nephrotic syndrome (NPHS1). Also called: NEPHROTIC SYNDROME, TYPE 1. Identifiers: Orphanet 839, MedGen C0403399, MONDO:0009732, OMIM 256300.

Submission:

Myriad Genetics, Inc.
Classification: Likely pathogenic for Finnish congenital nephrotic syndrome. Last evaluated: 2022-03-31. Review status: criteria provided, single submitter. Criteria: Myriad Women's Health Autosomal Recessive and X-Linked Classification Criteria (2021). Collection method: clinical testing. Allele origin: unknown.
Comment: NM_004646.3(NPHS1):c.333C>A(C111*) is expected to be pathogenic in the context of nephrotic syndrome, NPHS1-related. This variant is predicted to lead to an abnormal or absent protein product due to the creation of a premature termination codon in NPHS1, a gene where loss-of-function variants are known to be pathogenic. Please note: this variant was assessed in the context of healthy population screening.